The following is an entry in ClinVar:

ClinVar aggregate classification (germline): Uncertain significance. Review status: criteria provided, single submitter (1 of 4 stars). 3 submissions from 3 submitters: Uncertain significance (1). 2 of the submissions do not count toward it. Last evaluated 2021-08-27.

Conditions:
Bardet-Biedl syndrome (BBS). Identifiers: Orphanet 110, MedGen C0752166, MONDO:0015229.
Bardet-Biedl syndrome 12 (BBS12). Identifiers: Orphanet 110, MedGen C1859570, MONDO:0014440, OMIM 615989.
BBS12-related disorder. Also called: BBS12-related condition.

Allele frequency attached by ClinVar (database versions not stated): gnomAD exomes below 0.00001 and 0.00002; TOPMed below 0.00001; gnomAD 0.00001.
gnomAD v4.1: 32 of 1,614,156 alleles (0.002%); highest among the groups gnomAD compares: Non-Finnish European, 0.0026%; no homozygotes.

Submissions (3):

Labcorp Genetics (formerly Invitae), Labcorp
Classification: Uncertain significance for Bardet-Biedl syndrome. Last evaluated: 2021-08-27. Review status: criteria provided, single submitter. Criteria: Invitae Variant Classification Sherloc (09022015). Collection method: clinical testing. Allele origin: germline.
Comment: This sequence change replaces glutamine with arginine at codon 402 of the BBS12 protein (p.Gln402Arg). The glutamine residue is moderately conserved and there is a small physicochemical difference between glutamine and arginine. This variant is not present in population databases (ExAC no frequency). This variant has not been reported in the literature in individuals affected with BBS12-related conditions. Algorithms developed to predict the effect of missense changes on protein structure and function output the following: SIFT: "Deleterious"; PolyPhen-2: "Benign"; Align-GVGD: "Class C0". The arginine amino acid residue is found in multiple mammalian species, which suggests that this missense change does not adversely affect protein function. In summary, the available evidence is currently insufficient to determine the role of this variant in disease. Therefore, it has been classified as a Variant of Uncertain Significance.

PreventionGenetics, part of Exact Sciences
Classification: Uncertain significance for BBS12-related condition. Last evaluated: 2024-04-30. Review status: no assertion criteria provided. Collection method: clinical testing. Allele origin: germline. Not counted in ClinVar's aggregate classification.
Comment: The BBS12 c.1205A>G variant is predicted to result in the amino acid substitution p.Gln402Arg. To our knowledge, this variant has not been reported in the literature. This variant is reported in 0.00088% of alleles in individuals of European (Non-Finnish) descent in gnomAD. At this time, the clinical significance of this variant is uncertain due to the absence of conclusive functional and genetic evidence.

Natera, Inc.
Classification: Uncertain significance for Bardet-Biedl syndrome type 12. Last evaluated: 2020-08-11. Review status: no assertion criteria provided. Collection method: clinical testing. Allele origin: germline. Not counted in ClinVar's aggregate classification.

NM_152618.3(BBS12):c.1205A>G (p.Gln402Arg)

Gene: BBS12 (Bardet-Biedl syndrome 12; plus strand). Cytogenetic location: 4q27.
Variant type: single nucleotide variant.
Coding change: c.1205A>G on transcript NM_152618.3 (MANE Select); coding-DNA position 1205, A replaced by G.
Protein change: p.Gln402Arg; replaces glutamine 402 with arginine.
Molecular consequence: missense variant.
Genome position (GRCh38, 1-based): chr4:122,743,097, A>G. VCF-style: chr4-122743097-A-G. GRCh37 (hg19) VCF-style: chr4-123664252-A-G.
Other names: c.1205A>G, p.Gln402Arg (NM_001178007.2); short protein forms Q402R.
Identifiers: ClinVar variation 935979 (VCV000935979.6), dbSNP rs763765486, ClinGen allele CA105249200.